The following is an entry in ClinVar:

NM_020631.6(PLEKHG5):c.1183C>G (p.Arg395Gly)

Gene: PLEKHG5 (pleckstrin homology and RhoGEF domain containing G5; minus strand). Cytogenetic location: 1p36.31.
Variant type: single nucleotide variant.
Coding change: c.1183C>G on transcript NM_020631.6 (MANE Select); coding-DNA position 1183, C replaced by G.
Protein change: p.Arg395Gly; replaces arginine 395 with glycine.
Molecular consequence: missense variant.
Genome position (GRCh38, 1-based): chr1:6,471,586, G>C on the plus strand (C>G on the coding strand, the complement: PLEKHG5 is on the minus strand). VCF-style: chr1-6471586-G-C. GRCh37 (hg19) VCF-style: chr1-6531646-G-C.
Other names: c.1294C>G, p.Arg432Gly (NM_001042663.3, NM_001265592.2); c.1183C>G, p.Arg395Gly (NM_001042664.2, NM_001042665.2, NM_198681.4 and 1 more transcripts); c.1390C>G, p.Arg464Gly (NM_001265593.2); short protein forms R395G, R432G, R464G.
Identifiers: ClinVar variation 1003286 (VCV001003286.9), dbSNP rs1644589733, ClinGen allele CA338129789.
Genomic context (GRCh38, chr1:6,471,586, plus strand): 5'-GCGCTCGCGTGCGCCGCGCCTTCTCCAGCACCGGCGCCATCACGCTAGCCCACAGCCTGC[G>C]GTGCAGCTGCGCGATCTCCGGGATGTTGCTGAACAGGCGCTCCGCCTCCACCTGGGCGCG-3'
Protein context (NP_065682.2, residues 385-405): SNIPEIAQLH[Arg395Gly]RLWASVMAPV

ClinVar aggregate classification (germline): Uncertain significance (1 of 4 stars; one submission).

Conditions:
Neuronopathy, distal hereditary motor, autosomal recessive 4. Also called: NEUROPATHY, DISTAL HEREDITARY MOTOR, AUTOSOMAL RECESSIVE 4; Autosomal recessive lower motor neuron disease with childhood onset. Identifiers: Orphanet 206580, MedGen C1970211, MONDO:0012608, OMIM 611067.
Charcot-Marie-Tooth disease recessive intermediate C. Also called: CHARCOT-MARIE-TOOTH NEUROPATHY, RECESSIVE INTERMEDIATE C. Identifiers: Orphanet 369867, MedGen C3809309, MONDO:0014154, OMIM 615376.

Allele frequency attached by ClinVar (database versions not stated): TOPMed below 0.00001; gnomAD 0.00001.
gnomAD v4.1: 3 of 1,599,502 alleles (0.00019%); highest among the groups gnomAD compares: East Asian, 0.0023%; no homozygotes.

Submission:

Labcorp Genetics (formerly Invitae), Labcorp
Classification: Uncertain significance for Neuronopathy, distal hereditary motor, autosomal recessive 4; Charcot-Marie-Tooth disease recessive intermediate C. Last evaluated: 2021-02-09. Review status: criteria provided, single submitter. Criteria: Invitae Variant Classification Sherloc (09022015). Collection method: clinical testing. Allele origin: germline.
Comment: Algorithms developed to predict the effect of missense changes on protein structure and function output the following: SIFT: "Tolerated"; PolyPhen-2: "Benign"; Align-GVGD: "Class C0". The glycine amino acid residue is found in multiple mammalian species, suggesting that this missense change does not adversely affect protein function. These predictions have not been confirmed by published functional studies and their clinical significance is uncertain. This sequence change replaces arginine with glycine at codon 395 of the PLEKHG5 protein (p.Arg395Gly). The arginine residue is moderately conserved and there is a moderate physicochemical difference between arginine and glycine. This variant is not present in population databases (ExAC no frequency). This variant has not been reported in the literature in individuals with PLEKHG5-related conditions. In summary, the available evidence is currently insufficient to determine the role of this variant in disease. Therefore, it has been classified as a Variant of Uncertain Significance.